The following is an entry in ClinVar:

NM_015450.3(POT1):c.1087C>T (p.Arg363Ter)

Gene: POT1 (protection of telomeres 1; minus strand). Cytogenetic location: 7q31.33.
Variant type: single nucleotide variant.
Coding change: c.1087C>T on transcript NM_015450.3 (MANE Select); coding-DNA position 1087, C replaced by T.
Protein change: p.Arg363Ter; replaces arginine 363 with a stop codon.
Molecular consequence: nonsense. On other transcripts: non-coding transcript variant (3).
Genome position (GRCh38, 1-based): chr7:124,842,883, G>A on the plus strand (C>T on the coding strand, the complement: POT1 is on the minus strand). VCF-style: chr7-124842883-G-A. GRCh37 (hg19) VCF-style: chr7-124482937-G-A.
Other names: c.694C>T, p.Arg232Ter (NM_001042594.2); short protein forms R363*, R232*.
Identifiers: ClinVar variation 475019 (VCV000475019.30), dbSNP rs756198077, ClinGen allele CA4465230.
Genomic context (GRCh38, chr7:124,842,883, plus strand): 5'-GGCAATGAAGTTTAACAGACTGAAATAGTCTTCTGGGCTTATATGACCTCAATTTTGCTC[G>A]GATGCGGTATTGTTGAGGAGCTTTTTGTTTCAAAATGGCACATAGTGGTGTCCTCTCCAA-3'

ClinVar aggregate classification (germline): Pathogenic/Likely pathogenic. Review status: criteria provided, multiple submitters, no conflicts (2 of 4 stars). 11 submissions from 11 submitters: Pathogenic (7); Likely pathogenic (3). 1 of the submissions does not count toward it. Last evaluated 2026-02-25.

Conditions:
Tumor predisposition syndrome 3 (TPDS3). Also called: Melanoma, cutaneous malignant, susceptibility to, 10; Glioma susceptibility 9; LONG TELOMERE SYNDROME, POT1-RELATED; POT1 Tumor Predisposition. Identifiers: Orphanet 618, MedGen C4014476, MONDO:0014368, OMIM 615848.
POT1-related disorder. Also called: POT1-related condition.
Cerebroretinal microangiopathy with calcifications and cysts 3 (CRMCC3). Identifiers: MedGen C5830497, MONDO:0957264, OMIM 620368.
Long telomere syndrome.
Hereditary cancer-predisposing syndrome. Also called: Tumor predisposition; Hereditary Cancer Syndrome; Neoplastic Syndromes, Hereditary; Hereditary neoplastic syndrome. Identifiers: Orphanet 140162, MedGen C0027672, MeSH D009386, MONDO:0015356.

Allele frequency attached by ClinVar (database versions not stated): TOPMed 0.00001; gnomAD exomes 0.00002 and 0.00003; gnomAD 0.00003 and 0.00004; ExAC 0.00004.
gnomAD v4.1: 46 of 1,610,674 alleles (0.0029%); highest among the groups gnomAD compares: South Asian, 0.0033%; no homozygotes.

Submissions (11):

Dasa
Classification: Pathogenic. Last evaluated: 2026-02-25. Review status: criteria provided, single submitter. Criteria: DASA Assertion Criteria. Collection method: clinical testing. Allele origin: germline.
Comment: NM_015450.3(POT1):c.1087C>T (p.Arg363*) introduces a premature termination codon predicted to result in loss of normal protein function. Loss-of-function is an established mechanism of disease for this gene. This variant has been recurrently observed in individuals with related phenotype (PMID: 29625052; PMID: 27329137; PMID: 29036293; PMID: 25482530; PMID: 29550946). The variant is present at low frequency in population datasets. Based on the available data, this variant is classified as pathogenic.

Labcorp Genetics (formerly Invitae), Labcorp
Classification: Pathogenic for Tumor predisposition syndrome 3. Last evaluated: 2026-01-31. Review status: criteria provided, single submitter. Criteria: Invitae Variant Classification Sherloc (09022015). Collection method: clinical testing. Allele origin: germline.
Comment: This sequence change creates a premature translational stop signal (p.Arg363*) in the POT1 gene. It is expected to result in an absent or disrupted protein product. Loss-of-function variants in POT1 are known to be pathogenic (PMID: 32155570). This variant is present in population databases (rs756198077, gnomAD 0.005%). This premature translational stop signal has been observed in individual(s) with colorectal cancer and/or melanoma (PMID: 27329137, 29036293). This variant is also known as R232X. ClinVar contains an entry for this variant (Variation ID: 475019). For these reasons, this variant has been classified as Pathogenic.

The Telomere Center at Johns Hopkins, Johns Hopkins University School of Medicine
Classification: Pathogenic for Long Telomere Syndrome. Last evaluated: 2025-12-23. Review status: criteria provided, single submitter. Criteria: Davidson-Swinton et al. (Blood. 2026). Collection method: clinical testing. Allele origin: germline. Affected: yes.

Ambry Genetics
Classification: Pathogenic for Hereditary cancer-predisposing syndrome. Last evaluated: 2024-02-07. Review status: criteria provided, single submitter. Criteria: Ambry Variant Classification Scheme 2023. Collection method: clinical testing. Allele origin: germline.
Comment: The p.R363* pathogenic mutation (also known as c.1087C>T), located in coding exon 9 of the POT1 gene, results from a C to T substitution at nucleotide position 1087. This changes the amino acid from an arginine to a stop codon within coding exon 9. Designated R232X, this mutation has been detected in an individual with cutaneous malignant melanoma (Goldstein AM et al. Hum Mol Genet, 2017 12;26:4886-4895). This mutation has also been detected in 1/1006 early-onset familial colon cancer cases and 0/1609 healthy control individuals (Chubb D et al. Nat Commun, 2016 06;7:11883). In a study of individuals with familial glioma, this alteration was identified in a cohort 6200 unselected, ethnically matched exome-sequenced individuals (Bainbridge MN et al. J Natl Cancer Inst, 2015 Jan;107:384). In another study, this alteration showed significant enrichment in a cancer population (The Cancer Genome Atlas) when compared to a healthy population cohort (ExAC) (Huang KL et al. Cell, 2018 04;173:355-370.e14). In addition to the clinical data presented in the literature, this alteration is expected to result in loss of function by premature protein truncation or nonsense-mediated mRNA decay. As such, this alteration is interpreted as a disease-causing mutation.

Institute for Genomic Medicine (IGM) Clinical Laboratory, Nationwide Children's Hospital
Classification: Pathogenic for Tumor predisposition syndrome 3. Last evaluated: 2023-11-01. Review status: criteria provided, single submitter. Criteria: ACMG Guidelines, 2015. Collection method: clinical testing. Allele origin: germline.
Comment: This variant is predicted to result in loss of function through nonsense-mediated decay of the encoded transcript or premature truncation of the encoded protein in a gene in which loss of function is a known mechanism of disease (ACMG/AMP: PVS1; PMIDs:32155570, 24686849). This variant has been reported at an elevated frequency in affected individuals/in multiple affected individuals in the literature (ACMG/AMP: PS4; PMIDs:27329137, 29036293, 29522175, 29625052).

Blueprint Genetics
Classification: Likely pathogenic for POT1-related disorders. Last evaluated: 2023-09-11. Review status: criteria provided, single submitter. Criteria: ACMG Guidelines, 2015. Collection method: clinical testing. Allele origin: germline. Affected: yes. Observed: 3 variant alleles.

GeneDx
Classification: Pathogenic. Last evaluated: 2023-08-28. Review status: criteria provided, single submitter. Criteria: GeneDx Variant Classification Process June 2021. Collection method: clinical testing. Allele origin: germline. Affected: yes.
Comment: Nonsense variant predicted to result in protein truncation or nonsense mediated decay in a gene for which loss of function is a known mechanism of disease; Observed in individuals with a personal and/or family history of POT1-related cancers referred for genetic testing at GeneDx and in published literature (Artomov et al., 2017; Goldstein et al., 2017; Lim et al., 2021); Observed in individuals with colorectal cancer (Chubb et al., 2016); Not observed at significant frequency in large population cohorts (gnomAD); Also known as p.(R232X); This variant is associated with the following publications: (PMID: 25482530, 29625052, 31919090, 29550946, 32449991, Hana2022[Somatic], 34193977, 29036293, 32987645, 27329137, 27239034, 29522175)

PreventionGenetics, part of Exact Sciences
Classification: Pathogenic for POT1-related condition. Last evaluated: 2023-02-22. Review status: criteria provided, single submitter. Criteria: ACMG Guidelines, 2015. Collection method: clinical testing. Allele origin: germline.
Comment: The POT1 c.1087C>T variant is predicted to result in premature protein termination (p.Arg363*). This variant has been reported in the heterozygous state in several individuals with various cancers, including melanoma (Goldstein AM et al 2017. PubMed ID: 29036293), cancers of the breast, kidney, liver and brain (Huang KL et al 2018. PubMed ID: 29625052, supp Table 2A), and colorectal cancer (Chubb et al 2016. PubMed ID: 27329137, Table S4). This variant is reported in 0.0047% of alleles in individuals of European (Non-Finnish) descent in gnomAD. It is classified as likely pathogenic and pathogenic in ClinVar. Nonsense variants in POT1 are expected to be pathogenic. This variant is interpreted as pathogenic.

St. Jude Molecular Pathology, St. Jude Children's Research Hospital
Classification: Likely pathogenic for Tumor predisposition syndrome 3. Last evaluated: 2021-11-11. Review status: criteria provided, single submitter. Criteria: St. Jude Assertion Criteria 2020. Collection method: clinical testing. Allele origin: germline.
Comment: The POT1 c.1087C>T (p.Arg363Ter) change is a nonsense variant that is predicted to cause protein truncation and loss of normal protein function (PVS1). This variant has a maximum subpopulation frequency of 0.0047% in gnomAD v2.1.1. This variant has been reported in individuals with melanoma (PMID: 29036293, 29522175) and oligodendroglioma (PMID: 29625052). It has also been reported in individuals with other cancers including colorectal cancer (PMID: 27329137), infiltrating ductal carcinoma (PMID: 29625052), renal cell carcinoma (PMID: 29625052), hepatocellular carcinoma (PMID: 29625052), prostate adenocarcinoma (PMID: 29625052), and cutaneous T cell lymphoma (PMID: 27239034). Another truncating variant in exon 13 has been reported in individuals with POT1-associated cancers and has been classified as likely pathogenic (PM5_supporting). In summary, this variant meets criteria to be classified as likely pathogenic based on the ACMG/AMP criteria: PVS1, PM5_supporting.

Genetics and Genomic Medicine Centre, NeuroGen Healthcare, NeuroGen Healthcare
Classification: Likely pathogenic for Cerebroretinal microangiopathy with calcifications and cysts 3. Last evaluated: 2020-12-29. Review status: criteria provided, single submitter. Criteria: Submitter's publication. Collection method: clinical testing. Allele origin: unknown. Affected: no.

Genetic Services Laboratory, University of Chicago
Classification: Likely pathogenic. Last evaluated: 2022-02-28. Review status: no assertion criteria provided. Collection method: clinical testing. Allele origin: germline. Affected: yes. Not counted in ClinVar's aggregate classification.
Comment: DNA sequence analysis of the POT1 gene demonstrated a sequence change, c.1087C>T, which results in the creation of a premature stop codon at amino acid position 363, p.Arg363. This likely pathogenic sequence change is predicted to result in an abnormal transcript, which may be degraded, or may lead to the production of a truncated POT1 protein with potentially abnormal function. This sequence change has been described in the gnomAD database with a frequency of 0.0047% in the non-Finnish European subpopulation (dbSNP rs756198077). This likely pathogenic sequence change has previously been described in individuals with a variety of cancers including melanoma, chronic lymphocytic leukemia, oligodendroglioma colorectal cancer, breast cancer, and others (PMID: 34193977, 29036293, 29522175, 27329137, 29625052, 29625052, 29625052, 29625052, 27239034). This sequence change occurs in the OB3 protein domain where other truncating variants have been reported as pathogenic (PMID: 32155570). Based on these evidences, this variant is classified as likely pathogenic.

Literature cited by the submitters: PubMed 29625052 (cited by 3 submitters); PubMed 27329137 (cited by 4 submitters); PubMed 29036293 (cited by 4 submitters); PubMed 25482530 (cited by Dasa and Ambry Genetics); PubMed 29550946 (cited by Dasa); PubMed 33054084 (cited by Dasa); PubMed 29522175 (cited by Dasa and Institute for Genomic Medicine (IGM) Clinical Laboratory, Nationwide Children's Hospital); PubMed 32155570 (cited by 3 submitters); PubMed 24686849 (cited by Institute for Genomic Medicine (IGM) Clinical Laboratory, Nationwide Children's Hospital).